The following is an entry in ClinVar:

NM_007294.4(BRCA1):c.5078C>G (p.Ala1693Gly)

Gene: BRCA1 (BRCA1 DNA repair associated; minus strand). Cytogenetic location: 17q21.31.
Variant type: single nucleotide variant.
Coding change: c.5078C>G on transcript NM_007294.4 (MANE Select); coding-DNA position 5078, C replaced by G.
Protein change: p.Ala1693Gly; replaces alanine 1693 with glycine.
Molecular consequence: missense variant. On other transcripts: non-coding transcript variant (1).
Genome position (GRCh38, 1-based): chr17:43,063,948, G>C on the plus strand (C>G on the coding strand, the complement: BRCA1 is on the minus strand). VCF-style: chr17-43063948-G-C. GRCh37 (hg19) VCF-style: chr17-41215965-G-C.
Other names: c.4865C>G, p.Ala1622Gly (NM_001407571.1, NM_001407898.1, NM_001407899.1 and 12 more transcripts); c.5144C>G, p.Ala1715Gly (NM_001407581.1, NM_001407582.1); c.5141C>G, p.Ala1714Gly (NM_001407583.1, NM_001407585.1, NM_001407587.1 and 1 more transcripts); c.5138C>G, p.Ala1713Gly (NM_001407590.1, NM_001407591.1); c.5078C>G, p.Ala1693Gly (NM_001407593.1, NM_001407594.1, NM_001407596.1 and 7 more transcripts); c.5075C>G, p.Ala1692Gly (NM_001407610.1, NM_001407611.1, NM_001407612.1 and 17 more transcripts); c.5072C>G, p.Ala1691Gly (NM_001407627.1, NM_001407628.1, NM_001407629.1 and 14 more transcripts); c.5069C>G, p.Ala1690Gly (NM_001407645.1, NM_001407644.1); and 71 more; short protein forms A589G, A1646G, A1693G, A1714G, A1396G, A1397G, A1564G, A1581G.
Identifiers: ClinVar variation 867621 (VCV000867621.3), dbSNP rs1567769586, ClinGen allele CA10591366.
Genomic context (GRCh38, chr17:43,063,948, plus strand): 5'-ACCCATTTTCCTCCCGCAATTCCTAGAAAATATTTCAGTGTCCGTTCACACACAAACTCA[G>C]CATCTGCAGAATGAAAAACACTCAAAGGATTAGAAGTTGAAAACAAAATCAGGAAGTGCT-3'
Protein context (NP_009225.1, residues 1683-1703): ETTHVVMKTD[Ala1693Gly]EFVCERTLKY

Conditions:
Breast-ovarian cancer, familial, susceptibility to, 1 (BROVCA1). Also called: BRCA1 Hereditary Breast and Ovarian Cancer; OVARIAN CANCER, SUSCEPTIBILITY TO. Identifiers: Orphanet 145, MedGen C2676676, MONDO:0011450, OMIM 604370. Disease mechanism: loss of function.

Allele frequency attached by ClinVar (database versions not stated): gnomAD exomes below 0.00001.
gnomAD v4.1: 1 of 1,613,916 alleles (0.000062%); highest among the groups gnomAD compares: Non-Finnish European, 0.000085%; no homozygotes.

Submission:

Brotman Baty Institute, University of Washington
No classification provided (evidence only). Condition: Breast-ovarian cancer, familial 1. Review status: no classification provided. Collection method: in vitro. Allele origin: not applicable. Functional consequence: function_uncertain_variant.
ClinVar note: "not provided" was previously submitted as the classification for the variant. However, the classification appeared to be based only on an observation of functional data so it was converted to no classification on 2025-07-30.